The following is an entry in ClinVar:

ClinVar aggregate classification (germline): Uncertain significance (1 of 4 stars; one submission).

gnomAD v4.1: 2 of 403,570 alleles (0.0005%); highest among the groups gnomAD compares: East Asian, 0.008%; no homozygotes.

Submission:

Labcorp Genetics (formerly Invitae), Labcorp
Classification: Uncertain significance. Last evaluated: 2025-10-29. Review status: criteria provided, single submitter. Criteria: Invitae Variant Classification Sherloc (09022015). Collection method: clinical testing. Allele origin: germline.
Comment: The ASCC1 gene has multiple clinically relevant transcripts. This variant occurs in alternate transcript NM_001198799.2, and corresponds to NM_001198800.2:c.958-5438A>T in the primary transcript. This sequence change replaces aspartic acid, which is acidic and polar, with valine, which is neutral and non-polar, at codon 374 of the ASCC1 protein (p.Asp374Val). The frequency data for this variant in the population databases is considered unreliable, as metrics indicate poor data quality at this position in the gnomAD database. This variant has not been reported in the literature in individuals affected with ASCC1-related conditions. Algorithms developed to predict the effect of sequence changes on RNA splicing suggest that this variant is not likely to affect RNA splicing. In summary, the available evidence is currently insufficient to determine the role of this variant in disease. Therefore, it has been classified as a Variant of Uncertain Significance.

NM_001198800.3(ASCC1):c.958-5438A>T

Gene: ASCC1 (activating signal cointegrator 1 complex subunit 1; minus strand). Cytogenetic location: 10q22.1.
Variant type: single nucleotide variant.
Coding change: c.958-5438A>T on transcript NM_001198800.3 (MANE Select); 5438 bases into the intron before coding-DNA position 958, A replaced by T.
Molecular consequence: intron variant. On other transcripts: missense variant (14).
Genome position (GRCh38, 1-based): chr10:72,102,888, T>A on the plus strand (A>T on the coding strand, the complement: ASCC1 is on the minus strand). VCF-style: chr10-72102888-T-A. GRCh37 (hg19) VCF-style: chr10-73862646-T-A.
Other names: c.1121A>T, p.Asp374Val (NM_001198799.3); c.1103A>T, p.Asp368Val (NM_001369085.1, NM_001369086.1); c.1037A>T, p.Asp346Val (NM_001369087.1, NM_001369088.1, NM_001369089.1 and 3 more transcripts); c.917A>T, p.Asp306Val (NM_001369100.1, NM_001369103.1, NM_001369104.1); c.920A>T, p.Asp307Val (NM_001369101.1, NM_001369102.1); c.904-5438A>T (NM_001369099.1); c.752-5438A>T (NM_001369112.1); c.838-5438A>T (NM_001369108.1, NM_001369109.1); and 4 more; short protein forms D346V, D307V, D368V, D306V, D374V.
Identifiers: ClinVar variation 4695365 (VCV004695365.1).